The following is an entry in ClinVar:

ClinVar aggregate classification (germline): Uncertain significance (1 of 4 stars; one submission).

Conditions:
Intellectual developmental disorder, X-linked, syndromic, Turner type. Also called: X-linked intellectual disability, Turner type; Intellectual disability, X-linked syndromic, Turner type. Identifiers: Orphanet 3056, Orphanet 85328, MedGen C2678046, MONDO:0010407, OMIM 309590.

Submission:

Dasa
Classification: Uncertain significance for Intellectual developmental disorder, X-linked, syndromic, Turner type. Last evaluated: 2024-11-08. Review status: criteria provided, single submitter. Criteria: DASA Assertion Criteria. Collection method: clinical testing. Allele origin: germline.
Comment: NM_031407.7(HUWE1):c.7109G>A (p.Ser2370Asn) is a missense variant that results in the substitution of serine with asparagine. This variant is rare in population databases. Computational prediction algorithms are consistent with a benign effect. The currently available literature and clinical evidence are not sufficient to establish a definitive association between this variant and the reported condition. Therefore, this variant is classified as a variant of uncertain significance.

NM_031407.7(HUWE1):c.7109G>A (p.Ser2370Asn)

Genes: HUWE1 (HECT, UBA and WWE domain containing E3 ubiquitin protein ligase 1; minus strand), LOC126863262 (MED14-independent group 3 enhancer GRCh37_chrX:53588722-53589921; plus strand). Cytogenetic location: Xp11.22.
Variant type: single nucleotide variant.
Coding change: c.7109G>A on transcript NM_031407.7 (MANE Select); coding-DNA position 7109, G replaced by A.
Protein change: p.Ser2370Asn; replaces serine 2370 with asparagine.
Molecular consequence: missense variant. On other transcripts: intron variant (1).
Genome position (GRCh38, 1-based): chrX:53,562,926, C>T on the plus strand (G>A on the coding strand, the complement: HUWE1 is on the minus strand). VCF-style: chrX-53562926-C-T. GRCh37 (hg19) VCF-style: chrX-53589887-C-T.
Other names: c.7106G>A, p.Ser2369Asn (NM_001441056.1, NM_001441058.1, NM_001441048.1 and 2 more transcripts); c.7109G>A, p.Ser2370Asn (NM_001441057.1, NM_001441049.1, NM_001441054.1); c.7105+820G>A (NM_001441052.1); c.7130G>A, p.Ser2377Asn (NM_001441050.1, NM_001441055.1); short protein forms S2369N, S2370N, S2377N.
Identifiers: ClinVar variation 4882289 (VCV004882289.2).